The following is an entry in ClinVar:

NM_001161352.2(KCNMA1):c.1321G>A (p.Val441Ile)

Gene: KCNMA1 (potassium calcium-activated channel subfamily M alpha 1; minus strand). Cytogenetic location: 10q22.3.
Variant type: single nucleotide variant.
Coding change: c.1321G>A on transcript NM_001161352.2 (MANE Select); coding-DNA position 1321, G replaced by A.
Protein change: p.Val441Ile; replaces valine 441 with isoleucine.
Molecular consequence: missense variant.
Genome position (GRCh38, 1-based): chr10:77,090,413, C>T on the plus strand (G>A on the coding strand, the complement: KCNMA1 is on the minus strand). VCF-style: chr10-77090413-C-T. GRCh37 (hg19) VCF-style: chr10-78850171-C-T.
Other names: c.1321G>A, p.Val441Ile (NM_001014797.3, NM_001161353.2, NM_001271519.2 and 7 more transcripts); c.1159G>A, p.Val387Ile (NM_001271518.2); c.781G>A, p.Val261Ile (NM_001322838.2); short protein forms V261I, V387I, V441I.
Identifiers: ClinVar variation 935635 (VCV000935635.11), dbSNP rs756023062, ClinGen allele CA210098780.

ClinVar aggregate classification (germline): Uncertain significance. Review status: criteria provided, multiple submitters, no conflicts (2 of 4 stars). 2 submissions from 2 submitters: Uncertain significance (2). Last evaluated 2025-05-30.

Conditions:
Generalized epilepsy-paroxysmal dyskinesia syndrome (PNKD3). Also called: Generalized epilepsy and paroxysmal dyskinesia; Paroxysmal nonkinesigenic dyskinesia, 3, with or without generalized epilepsy. Identifiers: Orphanet 79137, MedGen C5574945, MONDO:0012276, OMIM 609446.

Allele frequency attached by ClinVar (database versions not stated): gnomAD 0.00001; gnomAD exomes 0.00002; TOPMed 0.00002.
gnomAD v4.1: 28 of 1,610,356 alleles (0.0017%); highest among the groups gnomAD compares: Admixed American, 0.0033%; no homozygotes.

Submissions (2):

Labcorp Genetics (formerly Invitae), Labcorp
Classification: Uncertain significance for Generalized epilepsy-paroxysmal dyskinesia syndrome. Last evaluated: 2025-05-30. Review status: criteria provided, single submitter. Criteria: Invitae Variant Classification Sherloc (09022015). Collection method: clinical testing. Allele origin: germline.
Comment: This sequence change replaces valine, which is neutral and non-polar, with isoleucine, which is neutral and non-polar, at codon 441 of the KCNMA1 protein (p.Val441Ile). This variant is present in population databases (rs756023062, gnomAD 0.003%). This variant has not been reported in the literature in individuals affected with KCNMA1-related conditions. ClinVar contains an entry for this variant (Variation ID: 935635). Invitae Evidence Modeling of protein sequence and biophysical properties (such as structural, functional, and spatial information, amino acid conservation, physicochemical variation, residue mobility, and thermodynamic stability) indicates that this missense variant is not expected to disrupt KCNMA1 protein function with a negative predictive value of 80%. In summary, the available evidence is currently insufficient to determine the role of this variant in disease. Therefore, it has been classified as a Variant of Uncertain Significance.

Blueprint Genetics
Classification: Uncertain significance. Last evaluated: 2023-12-18. Review status: criteria provided, single submitter. Criteria: ACMG Guidelines, 2015. Collection method: clinical testing. Allele origin: germline.